The following is an entry in ClinVar:

NM_018136.5(ASPM):c.8590A>G (p.Ile2864Val)

Gene: ASPM (assembly factor for spindle microtubules; minus strand). Cytogenetic location: 1q31.3.
Variant type: single nucleotide variant.
Coding change: c.8590A>G on transcript NM_018136.5 (MANE Select); coding-DNA position 8590, A replaced by G.
Protein change: p.Ile2864Val; replaces isoleucine 2864 with valine.
Molecular consequence: missense variant. On other transcripts: intron variant (1).
Genome position (GRCh38, 1-based): chr1:197,100,661, T>C on the plus strand (A>G on the coding strand, the complement: ASPM is on the minus strand). VCF-style: chr1-197100661-T-C. GRCh37 (hg19) VCF-style: chr1-197069791-T-C.
Other names: c.4066-4497A>G (NM_001206846.2); c.8590A>G (NM_018136.4); short protein forms I2864V.
Identifiers: ClinVar variation 1439411 (VCV001439411.7), dbSNP rs759761851, ClinGen allele CA1309194.
Genomic context (GRCh38, chr1:197,100,661, plus strand): 5'-TTCTATATAGTAAAAACTGTTTTCTGGTTTGCCACGTCCTAAAATAATGCTGTAAAGTGA[T>C]AGCAGCTCTTTTCTGCTGAACAAATCTTCTCCGATACACAGCCATCTGAAGGAAGAACTG-3'
Protein context (NP_060606.3, residues 2854-2874): RRFVQQKRAA[Ile2864Val]TLQHYFRTWQ

ClinVar aggregate classification (germline): Conflicting classifications of pathogenicity. Review status: criteria provided, conflicting classifications (1 of 4 stars). 2 submissions from 2 submitters: Uncertain significance (1); Likely benign (1). Last evaluated 2024-12-23.

Conditions:
Inborn genetic diseases. Identifiers: MedGen C0950123, MeSH D030342.

Allele frequency attached by ClinVar (database versions not stated): gnomAD 0.00001 and 0.00003; ExAC 0.00009; gnomAD exomes 0.00010; 1000 Genomes Project 30x 0.00016.
gnomAD v4.1: 65 of 1,612,360 alleles (0.004%); highest among the groups gnomAD compares: East Asian, 0.038%; no homozygotes.

Submissions (2):

Ambry Genetics
Classification: Likely benign for Inborn genetic diseases. Last evaluated: 2024-12-23. Review status: criteria provided, single submitter. Criteria: Ambry Variant Classification Scheme 2023. Collection method: clinical testing. Allele origin: germline.

Labcorp Genetics (formerly Invitae), Labcorp
Classification: Uncertain significance. Last evaluated: 2023-10-13. Review status: criteria provided, single submitter. Criteria: Invitae Variant Classification Sherloc (09022015). Collection method: clinical testing. Allele origin: germline.
Comment: This sequence change replaces isoleucine, which is neutral and non-polar, with valine, which is neutral and non-polar, at codon 2864 of the ASPM protein (p.Ile2864Val). This variant is present in population databases (rs759761851, gnomAD 0.05%). This variant has not been reported in the literature in individuals affected with ASPM-related conditions. ClinVar contains an entry for this variant (Variation ID: 1439411). Algorithms developed to predict the effect of missense changes on protein structure and function output the following: SIFT: "Not Available"; PolyPhen-2: "Benign"; Align-GVGD: "Not Available". The valine amino acid residue is found in multiple mammalian species, which suggests that this missense change does not adversely affect protein function. In summary, the available evidence is currently insufficient to determine the role of this variant in disease. Therefore, it has been classified as a Variant of Uncertain Significance.